The following is an entry in ClinVar:

ClinVar aggregate classification (germline): Pathogenic. Review status: criteria provided, multiple submitters, no conflicts (2 of 4 stars). 12 submissions from 12 submitters: Pathogenic (11). 1 of the submissions does not count toward it. Last evaluated 2025-10-12.

Conditions:
Inborn genetic diseases. Identifiers: MedGen C0950123, MeSH D030342.
Autosomal recessive polycystic kidney disease (ARPKD). Also called: AR polycystic kidney disease. Identifiers: Orphanet 731, Orphanet 8378, MedGen C0085548, MeSH D017044, MONDO:0009889.
PKHD1-related disorder. Also called: PKHD1-related condition.
Polycystic kidney disease 4 (PKD4). Also called: POLYCYSTIC KIDNEY DISEASE 4 WITH OR WITHOUT POLYCYSTIC LIVER DISEASE; PKD3; Autosomal Recessive Polycystic Kidney Disease – PKHD1; POLYCYSTIC KIDNEY AND HEPATIC DISEASE 1; POLYCYSTIC KIDNEY DISEASE, INFANTILE, TYPE I. Identifiers: MedGen C4540575, MONDO:0033004, OMIM 263200.

Allele frequency attached by ClinVar (database versions not stated): gnomAD exomes below 0.00001; TOPMed below 0.00001; gnomAD 0.00001.
gnomAD v4.1: 10 of 1,580,332 alleles (0.00063%); highest among the groups gnomAD compares: East Asian, 0.0022%; no homozygotes.

Submissions (12):

Natera, Inc.
Classification: Pathogenic for Autosomal recessive polycystic kidney disease. Last evaluated: 2025-10-12. Review status: criteria provided, single submitter. Criteria: Natera Variant Classification Schema (03/2026). Collection method: clinical testing. Allele origin: germline.
Comment: The c.11314C>T variant in PKHD1 is a nonsense variant predicted to introduce a stop codon at amino acid 3772. This variant is expected to result in nonsense mediated decay, truncation, or a dysfunctional protein product. This variant is rare in the general population with a frequency below the threshold expected for the associated phenotype(s). This variant has been observed in one or more individuals affected with the associated recessive disease, as either homozygous or compound heterozygous with a second variant (PMID: 27225849). Given the available evidence, this variant is classified as Pathogenic.

GeneDx
Classification: Pathogenic. Last evaluated: 2025-07-14. Review status: criteria provided, single submitter. Criteria: GeneDx Variant Classification Process June 2021. Collection method: clinical testing. Allele origin: germline. Affected: yes.
Comment: Identified in patients with PKHD1-related disorders who also harbored an additional variant in the PKHD1 gene in published literature (PMID: 15108281, 31813136, 31730820); Nonsense variant predicted to result in protein truncation or nonsense mediated decay in a gene for which loss of function is a known mechanism of disease; Not observed at significant frequency in large population cohorts (gnomAD); This variant is associated with the following publications: (PMID: 15108281, 31730820, 27225849, 30366773, 30275481, 38167091, 33123899, 31813136, 35783601, 37243546, 39456122)

Ambry Genetics
Classification: Pathogenic for Inborn genetic diseases. Last evaluated: 2025-03-12. Review status: criteria provided, single submitter. Criteria: Ambry Variant Classification Scheme 2023. Collection method: clinical testing. Allele origin: germline.
Comment: The c.11314C>T (p.R3772*) alteration, located in exon 63 (coding exon 62) of the PKHD1 gene, consists of a C to T substitution at nucleotide position 11314. This changes the amino acid from a arginine (R) to a stop codon at amino acid position 3772. This alteration is expected to result in loss of function by premature protein truncation or nonsense-mediated mRNA decay. Based on data from gnomAD, the T allele has an overall frequency of 0.001% (2/282092) total alleles studied. The highest observed frequency was 0.01% (2/19942) of East Asian alleles. This variant has been identified in the homozygous state and in conjunction with other PKHD1 variants in individuals with features consistent with PKHD1-related polycystic kidney disease; in at least one instance, the variants were identified in trans (Ding, 2024; Shi, 2023; Melchionda, 2016; Bergmann, 2004). Based on the available evidence, this alteration is classified as pathogenic.

Molecular Genetics, Royal Melbourne Hospital
Classification: Pathogenic for Autosomal recessive polycystic kidney disease. Last evaluated: 2024-11-04. Review status: criteria provided, single submitter. Criteria: ACMG Guidelines, 2015. Collection method: clinical testing. Allele origin: germline. Inheritance: Autosomal recessive inheritance.
Comment: This sequence change in PKHD1 is a nonsense variant predicted to create a premature stop codon, p.(Arg3772*), in biologically relevant exon 63/67 leading to nonsense-mediated decay in a gene in which loss-of-function is an established disease mechanism (PMID: 20301501). Loss-of-function variants are a well-established cause of disease in exon 63 (ClinVar). The highest population minor allele frequency in the population database gnomAD v4.1 is 0.002% (1/44,724 alleles) in the East Asian population. This variant has been detected as homozygous and compound heterozygous in at least four unrelated individuals with autosomal recessive polycystic kidney disease, with at least one pathogenic variant confirmed on the second allele (PMID: 27225849, 15108281, 33123899, 35783601). Based on the classification scheme RMH Modified ACMG/AMP Guidelines v1.7.0, this variant is classified as PATHOGENIC. Following criteria are met: PVS1, PM3_Strong, PM2_Supporting, PM5_Supporting.

Fulgent Genetics
Classification: Pathogenic for Polycystic kidney disease 4. Last evaluated: 2024-03-08. Review status: criteria provided, single submitter. Criteria: ACMG Guidelines, 2015. Collection method: clinical testing. Allele origin: germline.

Labcorp Genetics (formerly Invitae), Labcorp
Classification: Pathogenic for Autosomal recessive polycystic kidney disease. Last evaluated: 2024-02-23. Review status: criteria provided, single submitter. Criteria: Invitae Variant Classification Sherloc (09022015). Collection method: clinical testing. Allele origin: germline.
Comment: This sequence change creates a premature translational stop signal (p.Arg3772*) in the PKHD1 gene. It is expected to result in an absent or disrupted protein product. Loss-of-function variants in PKHD1 are known to be pathogenic (PMID: 19940839). This variant is present in population databases (rs199839578, gnomAD 0.01%). This premature translational stop signal has been observed in individual(s) with polycystic kidney disease (PMID: 15108281, 27225849, 27577217). ClinVar contains an entry for this variant (Variation ID: 370289). For these reasons, this variant has been classified as Pathogenic.

Baylor Genetics
Classification: Pathogenic for Polycystic kidney disease 4. Last evaluated: 2024-01-31. Review status: criteria provided, single submitter. Criteria: ACMG Guidelines, 2015. Collection method: clinical testing. Allele origin: unknown.

Daryl Scott Lab, Baylor College of Medicine
Classification: Pathogenic for Polycystic kidney disease 4. Last evaluated: 2024-01-01. Review status: criteria provided, single submitter. Criteria: ACMG Guidelines, 2015. Collection method: clinical testing. Allele origin: maternal. Affected: yes. Observed: 1 heterozygote.
Comment: PVS1, PS4, PM3

Blueprint Genetics
Classification: Pathogenic for PKHD1-related disorders. Last evaluated: 2023-12-07. Review status: criteria provided, single submitter. Criteria: ACMG Guidelines, 2015. Collection method: clinical testing. Allele origin: germline. Affected: yes. Observed: 2 variant alleles.

Women's Health and Genetics/Laboratory Corporation of America, LabCorp
Classification: Pathogenic for Autosomal recessive polycystic kidney disease. Last evaluated: 2017-05-29. Review status: criteria provided, single submitter. Criteria: LabCorp Variant Classification Summary - May 2015. Collection method: clinical testing. Allele origin: germline.
Comment: Variant summary: The PKHD1 c.11314C>T (p.Arg3772X) variant results in a premature termination codon, predicted to cause a truncated or absent PKHD1 protein due to nonsense mediated decay, which are commonly known mechanisms for disease. Truncations downstream of this position have been classified as likely pathogenic in ClinVar (e.g. p.Arg3842Ter and c.11776delG (p.Val3926Trpfs)). This variant is absent in 121176 control chromosomes from ExAC. This variant has been reported in five patients from four ARPKD families (Bergmann_2004, Melchionda_2016; Li_2016), in homozygous state and in compound heterozygous state with known, c.9689delA (p.Asp3230fs) and presumably pathogenic, c.889T>A (p.Cys297Ser) variants. Parents were genotyped in both families and variant transmission in affected offspring's was consistent with disease inheritance. One clinical diagnostic laboratory has classified this variant as likely pathogenic. Taken together, this variant is classified as pathogenic.

Juno Genomics, Hangzhou Juno Genomics, Inc
Classification: Pathogenic for Polycystic kidney disease 4. Review status: criteria provided, single submitter. Criteria: ACMG Guidelines, 2015. Collection method: clinical testing. Allele origin: germline.
Comment: Absent from controls (or at extremely low frequency if recessive) in Genome Aggregation Database.;Null variant in a gene where loss of function (LOF) is a known mechanism of disease.;For recessive disorders, detected in trans with a pathogenic variant.

Counsyl
Classification: Likely pathogenic for Polycystic kidney disease 4. Last evaluated: 2016-01-04. Review status: no assertion criteria provided. Collection method: clinical testing. Allele origin: unknown. Not counted in ClinVar's aggregate classification.

Literature cited by the submitters: PubMed 27225849 (cited by 4 submitters); PubMed 15108281 (cited by 5 submitters); PubMed 37243546 (cited by Ambry Genetics); PubMed 39456122 (cited by Ambry Genetics); PubMed 20301501 (cited by Molecular Genetics, Royal Melbourne Hospital); PubMed 33123899 (cited by Molecular Genetics, Royal Melbourne Hospital); PubMed 35783601 (cited by Molecular Genetics, Royal Melbourne Hospital); PubMed 19940839 (cited by Labcorp Genetics (formerly Invitae), Labcorp); PubMed 27577217 (cited by Labcorp Genetics (formerly Invitae), Labcorp); PubMed 25525159 (cited by Women's Health and Genetics/Laboratory Corporation of America, LabCorp).

NM_138694.4(PKHD1):c.11314C>T (p.Arg3772Ter)

Gene: PKHD1 (PKHD1 ciliary IPT domain containing fibrocystin/polyductin; minus strand). Cytogenetic location: 6p12.3.
Variant type: single nucleotide variant.
Coding change: c.11314C>T on transcript NM_138694.4 (MANE Select); coding-DNA position 11314, C replaced by T.
Protein change: p.Arg3772Ter; replaces arginine 3772 with a stop codon.
Molecular consequence: nonsense.
Genome position (GRCh38, 1-based): chr6:51,648,115, G>A on the plus strand (C>T on the coding strand, the complement: PKHD1 is on the minus strand). VCF-style: chr6-51648115-G-A. GRCh37 (hg19) VCF-style: chr6-51512913-G-A.
Other names: short protein forms R3772*.
Identifiers: ClinVar variation 370289 (VCV000370289.32), dbSNP rs199839578, ClinGen allele CA16041022.